The following is an entry in ClinVar:

NM_000159.4(GCDH):c.636-18C>T

Gene: GCDH (glutaryl-CoA dehydrogenase; plus strand). Cytogenetic location: 19p13.13.
Variant type: single nucleotide variant.
Coding change: c.636-18C>T on transcript NM_000159.4 (MANE Select); 18 bases into the intron before coding-DNA position 636, C replaced by T.
Molecular consequence: intron variant.
Genome position (GRCh38, 1-based): chr19:12,896,187, C>T. VCF-style: chr19-12896187-C-T. GRCh37 (hg19) VCF-style: chr19-13007001-C-T.
Other names: c.636-18C>T (NM_013976.5).
Identifiers: ClinVar variation 507433 (VCV000507433.10), dbSNP rs183109666, ClinGen allele CA9234452.

ClinVar aggregate classification (germline): Likely benign. Review status: criteria provided, multiple submitters, no conflicts (2 of 4 stars). 3 submissions from 3 submitters: Likely benign (2). 1 of the submissions does not count toward it. Last evaluated 2025-11-25.

Conditions:
Glutaric aciduria, type 1. Also called: GA I; Glutaricacidemia Type 1; Glutaric Acidemia Type 1; Glutaricaciduria, type I; Glutaryl-CoA dehydrogenase deficiency; Glutaric acidemia type I. Identifiers: Orphanet 25, MedGen C0268595, MONDO:0009281, OMIM 231670.

Allele frequency attached by ClinVar (database versions not stated): gnomAD exomes 0.00002 and 0.00010; ExAC 0.00012; 1000 Genomes Project 0.00020; ESP Exome Variant Server 0.00023; 1000 Genomes Project 30x 0.00031; TOPMed 0.00032; gnomAD 0.00035 and 0.00038.
gnomAD v4.1: 81 of 1,614,042 alleles (0.005%); highest among the groups gnomAD compares: African/African-American, 0.092%; no homozygotes.

Submissions (3):

Labcorp Genetics (formerly Invitae), Labcorp
Classification: Likely benign for Glutaric aciduria, type 1. Last evaluated: 2025-11-25. Review status: criteria provided, single submitter. Criteria: Invitae Variant Classification Sherloc (09022015). Collection method: clinical testing. Allele origin: germline.

GeneDx
Classification: Likely benign. Last evaluated: 2017-03-07. Review status: criteria provided, single submitter. Criteria: GeneDx Variant Classification (06012015). Collection method: clinical testing. Allele origin: germline. Affected: yes.
Comment: This variant is considered likely benign or benign based on one or more of the following criteria: it is a conservative change, it occurs at a poorly conserved position in the protein, it is predicted to be benign by multiple in silico algorithms, and/or has population frequency not consistent with disease.

Counsyl
Classification: Likely benign for Glutaric aciduria, type 1. Last evaluated: 2017-12-11. Review status: no assertion criteria provided. Collection method: clinical testing. Allele origin: unknown. Not counted in ClinVar's aggregate classification.